The following is an entry in ClinVar:

NM_005188.4(CBL):c.*7143A>C

Gene: CBL (Cbl proto-oncogene; plus strand). Cytogenetic location: 11q23.3.
Variant type: single nucleotide variant.
Coding change: c.*7143A>C on transcript NM_005188.4 (MANE Select); 7143 bases downstream of the stop codon, A replaced by C.
Molecular consequence: 3 prime UTR variant.
Genome position (GRCh38, 1-based): chr11:119,306,924, A>C. VCF-style: chr11-119306924-A-C. GRCh37 (hg19) VCF-style: chr11-119177634-A-C.
Identifiers: ClinVar variation 302895 (VCV000302895.5), dbSNP rs146650854, ClinGen allele CA10630053.
Genomic context (GRCh38, chr11:119,306,924, plus strand): 5'-CTGGCTGTGGTGACTTGGGATTTTTAACCTTATATATCTTTTTCCTTTACTCAAAACAAA[A>C]CAATTTTTAGCACACTGAAAAAAAAAAAAAGCCAAATGTTTTGTGCCTTTCTAAGGCAGC-3'

ClinVar aggregate classification (germline): Benign (1 of 4 stars; one submission).

Conditions:
CBL-related disorder. Also called: NOONAN SYNDROME-LIKE DISORDER WITHOUT JUVENILE MYELOMONOCYTIC LEUKEMIA; CBL MUTATION-ASSOCIATED SYNDROME; CBL SYNDROME. Identifiers: Orphanet 363972, MedGen C3150803, MONDO:0013308, OMIM 613563.

Allele frequency attached by ClinVar (database versions not stated): gnomAD 0.00048; TOPMed 0.00061; gnomAD exomes 0.00085; 1000 Genomes Project 30x 0.00219; 1000 Genomes Project 0.00240.
gnomAD v4.1: 111 of 228,846 alleles (0.049%); highest among the groups gnomAD compares: East Asian, 0.66%; no homozygotes.

Submission:

Illumina Laboratory Services, Illumina
Classification: Benign for CBL-related disorder. Last evaluated: 2018-01-12. Review status: criteria provided, single submitter. Criteria: ICSL Variant Classification Criteria 13 December 2019. Collection method: clinical testing. Allele origin: germline.
Comment: This variant was observed in the ICSL laboratory as part of a predisposition screen in an ostensibly healthy population. It had not been previously curated by ICSL or reported in the Human Gene Mutation Database (HGMD: prior to June 1st, 2018), and was therefore a candidate for classification through an automated scoring system. Utilizing variant allele frequency, disease prevalence and penetrance estimates, and inheritance mode, an automated score was calculated to assess if this variant is too frequent to cause the disease. Based on the score and internal cut-off values, a variant classified as benign is not then subjected to further curation. The score for this variant resulted in a classification of benign for this disease.